The following is an entry in ClinVar:

ClinVar aggregate classification (germline): Likely benign. Review status: criteria provided, multiple submitters, no conflicts (2 of 4 stars). 2 submissions from 2 submitters: Likely benign (2). Last evaluated 2025-07-06.

Allele frequency attached by ClinVar (database versions not stated): 1000 Genomes Project 0.00040; 1000 Genomes Project 30x 0.00047; gnomAD exomes 0.00057 and 0.00135; ExAC 0.00058; gnomAD 0.00062 and 0.00063; TOPMed 0.00067; ESP Exome Variant Server 0.00108.
gnomAD v4.1: 2,066 of 1,613,374 alleles (0.13%); highest among the groups gnomAD compares: Non-Finnish European, 0.17%; 1 homozygote.

Submissions (2):

Labcorp Genetics (formerly Invitae), Labcorp
Classification: Likely benign. Last evaluated: 2025-07-06. Review status: criteria provided, single submitter. Criteria: Invitae Variant Classification Sherloc (09022015). Collection method: clinical testing. Allele origin: germline.

CeGaT Center for Human Genetics Tuebingen
Classification: Likely benign. Last evaluated: 2023-03-01. Review status: criteria provided, single submitter. Criteria: CeGaT Center For Human Genetics Tuebingen Variant Classification Criteria Version 2. Collection method: clinical testing. Allele origin: germline. Affected: yes. Observed: 1 variant allele.
Comment: FBN3: BP4, BP7

NM_032447.5(FBN3):c.8199A>G (p.Leu2733=)

Gene: FBN3 (fibrillin 3; minus strand). Cytogenetic location: 19p13.2.
Variant type: single nucleotide variant.
Coding change: c.8199A>G on transcript NM_032447.5 (MANE Select); coding-DNA position 8199, A replaced by G.
Protein change: p.Leu2733=; no amino-acid change (leucine 2733 retained).
Molecular consequence: synonymous variant.
Genome position (GRCh38, 1-based): chr19:8,066,150, T>C on the plus strand (A>G on the coding strand, the complement: FBN3 is on the minus strand). VCF-style: chr19-8066150-T-C. GRCh37 (hg19) VCF-style: chr19-8131034-T-C.
Other names: c.8199A>G, p.Leu2733= (NM_001321431.2).
Identifiers: ClinVar variation 1659805 (VCV001659805.32), dbSNP rs148313867, ClinGen allele CA9150602.